The following is an entry in ClinVar:

ClinVar aggregate classification (germline): Uncertain significance (1 of 4 stars; one submission).

Conditions:
Nephronophthisis. Also called: Juvenile Nephronophthisis. Identifiers: Orphanet 655, MedGen C0687120, MONDO:0019005, HP:0000090.

Allele frequency attached by ClinVar (database versions not stated): gnomAD 0.00001.
gnomAD v4.1: 1 of 1,613,468 alleles (0.000062%); highest among the groups gnomAD compares: Non-Finnish European, 0.000085%; no homozygotes.

Submission:

Labcorp Genetics (formerly Invitae), Labcorp
Classification: Uncertain significance for Nephronophthisis. Last evaluated: 2020-11-20. Review status: criteria provided, single submitter. Criteria: Invitae Variant Classification Sherloc (09022015). Collection method: clinical testing. Allele origin: germline.
Comment: In summary, the available evidence is currently insufficient to determine the role of this variant in disease. Therefore, it has been classified as a Variant of Uncertain Significance. Algorithms developed to predict the effect of missense changes on protein structure and function (SIFT, PolyPhen-2, Align-GVGD) all suggest that this variant is likely to be disruptive, but these predictions have not been confirmed by published functional studies and their clinical significance is uncertain. This variant has not been reported in the literature in individuals with INVS-related conditions. This variant is not present in population databases (ExAC no frequency). This sequence change replaces alanine with valine at codon 329 of the INVS protein (p.Ala329Val). The alanine residue is highly conserved and there is a small physicochemical difference between alanine and valine.

NM_014425.5(INVS):c.986C>T (p.Ala329Val)

Gene: INVS (inversin; plus strand). Cytogenetic location: 9q31.1.
Variant type: single nucleotide variant.
Coding change: c.986C>T on transcript NM_014425.5 (MANE Select); coding-DNA position 986, C replaced by T.
Protein change: p.Ala329Val; replaces alanine 329 with valine.
Molecular consequence: missense variant. On other transcripts: non-coding transcript variant (1).
Genome position (GRCh38, 1-based): chr9:100,246,695, C>T. VCF-style: chr9-100246695-C-T. GRCh37 (hg19) VCF-style: chr9-103008977-C-T.
Other names: c.698C>T, p.Ala233Val (NM_001318381.2); c.8C>T, p.Ala3Val (NM_001318382.2); short protein forms A233V, A3V, A329V.
Identifiers: ClinVar variation 1514649 (VCV001514649.8), dbSNP rs1202806202, ClinGen allele CA374363757.